The following is an entry in ClinVar:

ClinVar aggregate classification (germline): Uncertain significance (1 of 4 stars; one submission).

Submission:

Labcorp Genetics (formerly Invitae), Labcorp
Classification: Uncertain significance. Last evaluated: 2024-12-02. Review status: criteria provided, single submitter. Criteria: Invitae Variant Classification Sherloc (09022015). Collection method: clinical testing. Allele origin: germline.
Comment: This sequence change replaces serine, which is neutral and polar, with threonine, which is neutral and polar, at codon 458 of the PLEKHG2 protein (p.Ser458Thr). This variant is not present in population databases (gnomAD no frequency). This variant has not been reported in the literature in individuals affected with PLEKHG2-related conditions. ClinVar contains an entry for this variant (Variation ID: 1513382). An algorithm developed to predict the effect of missense changes on protein structure and function outputs the following: PolyPhen-2: "Benign". The threonine amino acid residue is found in multiple mammalian species, which suggests that this missense change does not adversely affect protein function. In summary, the available evidence is currently insufficient to determine the role of this variant in disease. Therefore, it has been classified as a Variant of Uncertain Significance.

NM_022835.3(PLEKHG2):c.1373G>C (p.Ser458Thr)

Gene: PLEKHG2 (pleckstrin homology and RhoGEF domain containing G2; plus strand). Cytogenetic location: 19q13.2.
Variant type: single nucleotide variant.
Coding change: c.1373G>C on transcript NM_022835.3 (MANE Select); coding-DNA position 1373, G replaced by C.
Protein change: p.Ser458Thr; replaces serine 458 with threonine.
Molecular consequence: missense variant.
Genome position (GRCh38, 1-based): chr19:39,420,826, G>C. VCF-style: chr19-39420826-G-C. GRCh37 (hg19) VCF-style: chr19-39911466-G-C.
Other names: c.1196G>C, p.Ser399Thr (NM_001351693.2); c.1373G>C, p.Ser458Thr (NM_001351694.2); short protein forms S399T, S458T.
Identifiers: ClinVar variation 1513382 (VCV001513382.6), dbSNP rs2146003153, ClinGen allele CA405793188.
Genomic context (GRCh38, chr19:39,420,826, plus strand): 5'-AGCCTGTCCTAGAGCCCCTGACACCCCCACTTGGGTCTCCTCGACCTCGAGATGCTAGAA[G>C]TTTTACCCCTGGGCGAAGGAACACAGGTAAAGGCGGTGGATCCCTGAGTCCCAGCCCTCA-3'
Protein context (NP_073746.2, residues 448-468): LGSPRPRDAR[Ser458Thr]FTPGRRNTAP